The following is an entry in ClinVar:

ClinVar aggregate classification (germline): Uncertain significance (1 of 4 stars; one submission).

Conditions:
Charcot-Marie-Tooth disease type 2. Also called: Charcot-Marie-Tooth type 2. Identifiers: Orphanet 64746, MedGen C0270914, MONDO:0018993.

gnomAD v4.1: 7 of 1,614,022 alleles (0.00043%); highest among the groups gnomAD compares: East Asian, 0.0022%; no homozygotes.

Submission:

Labcorp Genetics (formerly Invitae), Labcorp
Classification: Uncertain significance for Charcot-Marie-Tooth disease type 2. Last evaluated: 2024-04-09. Review status: criteria provided, single submitter. Criteria: Invitae Variant Classification Sherloc (09022015). Collection method: clinical testing. Allele origin: germline.
Comment: This sequence change replaces alanine, which is neutral and non-polar, with threonine, which is neutral and polar, at codon 115 of the MED25 protein (p.Ala115Thr). This variant is present in population databases (no rsID available, gnomAD 0.007%). This variant has not been reported in the literature in individuals affected with MED25-related conditions. ClinVar contains an entry for this variant (Variation ID: 1008097). An algorithm developed to predict the effect of missense changes on protein structure and function (PolyPhen-2) suggests that this variant is likely to be tolerated. In summary, the available evidence is currently insufficient to determine the role of this variant in disease. Therefore, it has been classified as a Variant of Uncertain Significance.

NM_030973.4(MED25):c.343G>A (p.Ala115Thr)

Gene: MED25 (mediator complex subunit 25; plus strand). Cytogenetic location: 19q13.33.
Variant type: single nucleotide variant.
Coding change: c.343G>A on transcript NM_030973.4 (MANE Select); coding-DNA position 343, G replaced by A.
Protein change: p.Ala115Thr; replaces alanine 115 with threonine.
Molecular consequence: missense variant.
Genome position (GRCh38, 1-based): chr19:49,828,486, G>A. VCF-style: chr19-49828486-G-A. GRCh37 (hg19) VCF-style: chr19-50331743-G-A.
Other names: c.343G>A, p.Ala115Thr (NM_001378355.1); short protein forms A115T.
Identifiers: ClinVar variation 1008097 (VCV001008097.8), dbSNP rs1433714797, ClinGen allele CA406911990.